The following is an entry in ClinVar:

ClinVar aggregate classification (germline): Benign/Likely benign. Review status: criteria provided, multiple submitters, no conflicts (2 of 4 stars). 9 submissions from 9 submitters: Benign (2); Likely benign (2). 5 of the submissions do not count toward it. Last evaluated 2026-01-15.

Conditions:
AMER1-related disorder. Also called: AMER1-related condition.
Osteopathia striata with cranial sclerosis (OSCS). Also called: HYPEROSTOSIS GENERALISATA WITH STRIATIONS. Identifiers: Orphanet 2780, MedGen C0432268, MONDO:0010310, OMIM 300373.
Intellectual disability. Also called: intellectual disabilities; Intellectual functioning disability; Intellectual developmental disorder. Identifiers: MedGen C3714756, MeSH D008607, MONDO:0001071, HP:0001249.

Allele frequency attached by ClinVar (database versions not stated): 1000 Genomes Project 0.00026; ExAC 0.00038; gnomAD 0.00039 and 0.00043; gnomAD exomes 0.00039 and 0.00069; TOPMed 0.00039; 1000 Genomes Project 30x 0.00042; ESP Exome Variant Server 0.00066.
gnomAD v4.1: 779 of 1,210,670 alleles (0.064%); highest among the groups gnomAD compares: Non-Finnish European, 0.085%; no homozygotes.

Submissions (9):

Labcorp Genetics (formerly Invitae), Labcorp
Classification: Benign. Last evaluated: 2026-01-15. Review status: criteria provided, single submitter. Criteria: Invitae Variant Classification Sherloc (09022015). Collection method: clinical testing. Allele origin: germline.

CeGaT Center for Human Genetics Tuebingen
Classification: Likely benign. Last evaluated: 2023-05-01. Review status: criteria provided, single submitter. Criteria: CeGaT Center For Human Genetics Tuebingen Variant Classification Criteria Version 2. Collection method: clinical testing. Allele origin: germline. Affected: yes. Observed: 2 variant alleles.
Comment: AMER1: BP4, BS2

Cambridge Genomics Laboratory, East Genomic Laboratory Hub, NHS Genomic Medicine Service
Classification: Benign for Intellectual disability. Last evaluated: 2019-03-18. Review status: criteria provided, single submitter. Criteria: ACGS Best Practice Guidelines for Variant Classification in Rare Disease 2020. Collection method: clinical testing. Allele origin: germline. Affected: yes. Observed: 1 variant allele.

Institute of Human Genetics, University of Leipzig Medical Center
Classification: Likely benign for Osteopathia striata with cranial sclerosis. Last evaluated: 2019-01-01. Review status: criteria provided, single submitter. Criteria: ACMG Guidelines, 2015. Collection method: clinical testing. Allele origin: unknown. Affected: yes.

PreventionGenetics, part of Exact Sciences
Classification: Benign for AMER1-related condition. Last evaluated: 2024-06-13. Review status: no assertion criteria provided. Collection method: clinical testing. Allele origin: germline. Not counted in ClinVar's aggregate classification.
Comment: This variant is classified as benign based on ACMG/AMP sequence variant interpretation guidelines (Richards et al. 2015 PMID: 25741868, with internal and published modifications).

ITMI
No classification provided. Condition: AllHighlyPenetrant. Last evaluated: 2013-09-19. Review status: no classification provided. Collection method: reference population. Allele origin: germline. Not counted in ClinVar's aggregate classification.
Comment: Please see associated publication for description of ethnicities

Clinical Genetics DNA and cytogenetics Diagnostics Lab, Erasmus MC, Erasmus Medical Center
Classification: Benign. Review status: no assertion criteria provided. Collection method: clinical testing. Allele origin: germline. Affected: yes. Study: VKGL Data-share Consensus. Not counted in ClinVar's aggregate classification.

Diagnostic Laboratory, Department of Genetics, University Medical Center Groningen
Classification: Likely benign. Review status: no assertion criteria provided. Collection method: clinical testing. Allele origin: germline. Affected: yes. Study: VKGL Data-share Consensus. Not counted in ClinVar's aggregate classification.

Laboratory of Diagnostic Genome Analysis, Leiden University Medical Center (LUMC)
Classification: Likely benign. Review status: no assertion criteria provided. Collection method: clinical testing. Allele origin: germline. Affected: yes. Study: VKGL Data-share Consensus. Not counted in ClinVar's aggregate classification.

Literature cited by the submitters: PubMed 24728327 (cited by ITMI).

NM_152424.4(AMER1):c.1796A>G (p.Tyr599Cys)

Gene: AMER1 (APC membrane recruitment protein 1; minus strand). Cytogenetic location: Xq11.2.
Variant type: single nucleotide variant.
Coding change: c.1796A>G on transcript NM_152424.4 (MANE Select); coding-DNA position 1796, A replaced by G.
Protein change: p.Tyr599Cys; replaces tyrosine 599 with cysteine.
Molecular consequence: missense variant.
Genome position (GRCh38, 1-based): chrX:64,191,491, T>C on the plus strand (A>G on the coding strand, the complement: AMER1 is on the minus strand). VCF-style: chrX-64191491-T-C. GRCh37 (hg19) VCF-style: chrX-63411371-T-C.
Other names: short protein forms Y599C.
Identifiers: ClinVar variation 133487 (VCV000133487.41), dbSNP rs144896730, ClinGen allele CA156676.